The following is an entry in ClinVar:

ClinVar aggregate classification (germline): Benign/Likely benign. Review status: criteria provided, multiple submitters, no conflicts (2 of 4 stars). 5 submissions from 5 submitters: Benign (2); Likely benign (2). 1 of the submissions does not count toward it. Last evaluated 2025-02-26.

Conditions:
ATRX-related disorder. Also called: ATRX-related condition.
Alpha thalassemia-X-linked intellectual disability syndrome (ATRX). Also called: ATR-X syndrome; Alpha thalassemia mental retardation syndrome, nondeletion type, X-linked; XLMR hypotonic face syndrome; ALPHA-THALASSEMIA/MENTAL RETARDATION SYNDROME, X-LINKED; ATR, NONDELETION TYPE; X-linked alpha-thalassemia-mental retardation syndrome. Identifiers: Orphanet 847, MedGen C1845055, MONDO:0010519, OMIM 301040.

Allele frequency attached by ClinVar (database versions not stated): TOPMed 0.00005; ExAC 0.00015; gnomAD 0.00009; gnomAD exomes 0.00016.
gnomAD v4.1: 71 of 1,198,097 alleles (0.0059%); highest among the groups gnomAD compares: East Asian, 0.089%; 2 homozygotes.

Submissions (5):

Labcorp Genetics (formerly Invitae), Labcorp
Classification: Benign for Alpha thalassemia-X-linked intellectual disability syndrome. Last evaluated: 2025-02-26. Review status: criteria provided, single submitter. Criteria: Invitae Variant Classification Sherloc (09022015). Collection method: clinical testing. Allele origin: germline.

ARUP Laboratories, Molecular Genetics and Genomics, ARUP Laboratories
Classification: Benign. Last evaluated: 2024-10-25. Review status: criteria provided, single submitter. Criteria: ARUP Molecular Germline Variant Investigation Process 2024. Collection method: clinical testing. Allele origin: germline.

Blueprint Genetics
Classification: Likely benign. Last evaluated: 2023-04-06. Review status: criteria provided, single submitter. Criteria: ACMG Guidelines, 2015. Collection method: clinical testing. Allele origin: germline.

GeneDx
Classification: Likely benign. Last evaluated: 2018-03-15. Review status: criteria provided, single submitter. Criteria: GeneDx Variant Classification (06012015). Collection method: clinical testing. Allele origin: germline. Affected: yes.
Comment: This variant is considered likely benign or benign based on one or more of the following criteria: it is a conservative change, it occurs at a poorly conserved position in the protein, it is predicted to be benign by multiple in silico algorithms, and/or has population frequency not consistent with disease.

PreventionGenetics, part of Exact Sciences
Classification: Likely benign for ATRX-related condition. Last evaluated: 2020-08-04. Review status: no assertion criteria provided. Collection method: clinical testing. Allele origin: germline. Not counted in ClinVar's aggregate classification.
Comment: This variant is classified as likely benign based on ACMG/AMP sequence variant interpretation guidelines (Richards et al. 2015 PMID: 25741868, with internal and published modifications).

NM_000489.6(ATRX):c.189+7A>G

Gene: ATRX (ATRX chromatin remodeler; minus strand). Cytogenetic location: Xq21.1.
Variant type: single nucleotide variant.
Coding change: c.189+7A>G on transcript NM_000489.6 (MANE Select); 7 bases into the intron after coding-DNA position 189, A replaced by G.
Molecular consequence: intron variant.
Genome position (GRCh38, 1-based): chrX:77,698,567, T>C on the plus strand (A>G on the coding strand, the complement: ATRX is on the minus strand). VCF-style: chrX-77698567-T-C. GRCh37 (hg19) VCF-style: chrX-76954055-T-C.
Other names: c.189+7A>G (NM_138270.5).
Identifiers: ClinVar variation 680383 (VCV000680383.16), dbSNP rs781842591, ClinGen allele CA10458366.